The following is an entry in ClinVar:

ClinVar aggregate classification (germline): Conflicting classifications of pathogenicity. Review status: criteria provided, conflicting classifications (1 of 4 stars). 3 submissions from 3 submitters: Uncertain significance (2); Likely benign (1). Last evaluated 2025-07-15.

Conditions:
NKX2-6-related disorder. Also called: NKX2-6-related condition.
Conotruncal heart malformations (CTHM). Also called: Conotruncal heart malformations, variable. Identifiers: Orphanet 2445, Orphanet 3384, Orphanet 3426, MedGen C1857586, MONDO:0016581, OMIM 217095.

Allele frequency attached by ClinVar (database versions not stated): 1000 Genomes Project 30x 0.00016; 1000 Genomes Project 0.00020; gnomAD 0.00039 and 0.00041; gnomAD exomes 0.00039 and 0.00060; TOPMed 0.00040; ExAC 0.00041.

Submissions (3):

Labcorp Genetics (formerly Invitae), Labcorp
Classification: Uncertain significance for Conotruncal heart malformations. Last evaluated: 2025-07-15. Review status: criteria provided, single submitter. Criteria: Invitae Variant Classification Sherloc (09022015). Collection method: clinical testing. Allele origin: germline.
Comment: This sequence change replaces phenylalanine, which is neutral and non-polar, with isoleucine, which is neutral and non-polar, at codon 41 of the NKX2-6 protein (p.Phe41Ile). This variant is present in population databases (rs576577900, gnomAD 0.08%), and has an allele count higher than expected for a pathogenic variant. This variant has not been reported in the literature in individuals affected with NKX2-6-related conditions. ClinVar contains an entry for this variant (Variation ID: 466312). Invitae Evidence Modeling of protein sequence and biophysical properties (such as structural, functional, and spatial information, amino acid conservation, physicochemical variation, residue mobility, and thermodynamic stability) indicates that this missense variant is not expected to disrupt NKX2-6 protein function with a negative predictive value of 80%. In summary, the available evidence is currently insufficient to determine the role of this variant in disease. Therefore, it has been classified as a Variant of Uncertain Significance.

Blueprint Genetics
Classification: Likely benign. Last evaluated: 2024-11-22. Review status: criteria provided, single submitter. Criteria: ACMG Guidelines, 2015. Collection method: clinical testing. Allele origin: germline.

PreventionGenetics, part of Exact Sciences
Classification: Uncertain significance for NKX2-6-related condition. Last evaluated: 2024-10-30. Review status: criteria provided, single submitter. Criteria: ACMG Guidelines, 2015. Collection method: clinical testing. Allele origin: germline.
Comment: The NKX2-6 c.121T>A variant is predicted to result in the amino acid substitution p.Phe41Ile. To our knowledge, this variant has not been reported in the literature. This variant is reported in 0.077% of alleles in individuals of European (Non-Finnish) descent in gnomAD, including one homozygous individual which may be too frequent for a disease-causing variant. Although we suspect that this variant may be benign, at this time, the clinical significance of this variant is uncertain due to the absence of conclusive functional and genetic evidence.

NM_001136271.3(NKX2-6):c.121T>A (p.Phe41Ile)

Gene: NKX2-6 (NK2 homeobox 6; minus strand). Cytogenetic location: 8p21.2.
Variant type: single nucleotide variant.
Coding change: c.121T>A on transcript NM_001136271.3 (MANE Select); coding-DNA position 121, T replaced by A.
Protein change: p.Phe41Ile; replaces phenylalanine 41 with isoleucine.
Molecular consequence: missense variant.
Genome position (GRCh38, 1-based): chr8:23,706,478, A>T on the plus strand (T>A on the coding strand, the complement: NKX2-6 is on the minus strand). VCF-style: chr8-23706478-A-T. GRCh37 (hg19) VCF-style: chr8-23563991-A-T.
Other names: short protein forms F41I.
Identifiers: ClinVar variation 466312 (VCV000466312.12), dbSNP rs576577900, ClinGen allele CA4678019.